The following is an entry in ClinVar:

ClinVar aggregate classification (germline): Uncertain significance (1 of 4 stars; one submission).

Submission:

ISCA Site 6
Classification: Uncertain significance. Last evaluated: 2011-08-12. Review status: criteria provided, single submitter. Criteria: Kaminsky et al. (Genet Med. 2011). Collection method: clinical testing. Allele origin: unknown. Affected: yes. Observed: 1 variant allele.
Comment: Copy number variation identified through the course of routine clinical cytogenomic testing in postnatal populations. Clinical assertions have been curated as described in Kaminsky et al. 2011.

GRCh38/hg38 19q13.42(chr19:53601298-53773028)x3

Genes: DPRX (divergent-paired related homeobox; plus strand), MIR1283-1 (microRNA 1283-1; plus strand), MIR1283-2 (microRNA 1283-2; plus strand), MIR1323 (microRNA 1323; plus strand), MIR498 (microRNA 498; plus strand) and 42 more. Cytogenetic location: 19q13.42.
Variant type: copy number gain.
Change: copy number 3 (three copies instead of two) of chr19:53,601,298-53,773,028 (171.7 kb, GRCh38 coordinates, 1-based), cytogenetic band 19q13.42.
Identifiers: ClinVar variation 58805 (VCV000058805.2).